The following is an entry in ClinVar:

ClinVar aggregate classification (germline): Uncertain significance. Review status: criteria provided, multiple submitters, no conflicts (2 of 4 stars). 2 submissions from 2 submitters: Uncertain significance (2). Last evaluated 2024-11-21.

Conditions:
Dyskeratosis congenita. Identifiers: Orphanet 1775, MedGen C0265965, MONDO:0015780.

Submissions (2):

Blueprint Genetics
Classification: Uncertain significance. Last evaluated: 2024-11-21. Review status: criteria provided, single submitter. Criteria: ACMG Guidelines, 2015. Collection method: clinical testing. Allele origin: germline.

Labcorp Genetics (formerly Invitae), Labcorp
Classification: Uncertain significance for Dyskeratosis congenita. Last evaluated: 2024-06-23. Review status: criteria provided, single submitter. Criteria: Invitae Variant Classification Sherloc (09022015). Collection method: clinical testing. Allele origin: germline.
Comment: This sequence change replaces proline, which is neutral and non-polar, with arginine, which is basic and polar, at codon 430 of the TINF2 protein (p.Pro430Arg). This variant is not present in population databases (gnomAD no frequency). This variant has not been reported in the literature in individuals affected with TINF2-related conditions. An algorithm developed to predict the effect of missense changes on protein structure and function (PolyPhen-2) suggests that this variant is likely to be disruptive. In summary, the available evidence is currently insufficient to determine the role of this variant in disease. Therefore, it has been classified as a Variant of Uncertain Significance.

NM_001099274.3(TINF2):c.1289C>G (p.Pro430Arg)

Gene: TINF2 (TERF1 interacting nuclear factor 2; minus strand). Cytogenetic location: 14q12.
Variant type: single nucleotide variant.
Coding change: c.1289C>G on transcript NM_001099274.3 (MANE Select); coding-DNA position 1289, C replaced by G.
Protein change: p.Pro430Arg; replaces proline 430 with arginine.
Molecular consequence: missense variant. On other transcripts: 3 prime UTR variant (1).
Genome position (GRCh38, 1-based): chr14:24,239,864, G>C on the plus strand (C>G on the coding strand, the complement: TINF2 is on the minus strand). VCF-style: chr14-24239864-G-C. GRCh37 (hg19) VCF-style: chr14-24709070-G-C.
Other names: c.1184C>G, p.Pro395Arg (NM_001363668.2); c.*551C>G (NM_012461.3); short protein forms P395R, P430R.
Identifiers: ClinVar variation 3618806 (VCV003618806.3).